The following is an entry in ClinVar:

ClinVar aggregate classification (germline): Uncertain significance (1 of 4 stars; one submission).

Conditions:
Myopathy with tubular aggregates (TAM). Also called: Tubular Aggregate Myopathy. Identifiers: Orphanet 2593, MedGen C0410207, MONDO:0008051.
Combined immunodeficiency due to STIM1 deficiency. Also called: IMMUNODEFICIENCY 10; STIM1 DEFICIENCY. Identifiers: Orphanet 169090, Orphanet 317430, MedGen C2748557, MONDO:0013008, OMIM 612783.
Stormorken syndrome (STRMK). Also called: THROMBOCYTOPATHY, ASPLENIA, AND MIOSIS. Identifiers: Orphanet 3204, MedGen C1861451, MONDO:0008497, OMIM 185070.

Submission:

Labcorp Genetics (formerly Invitae), Labcorp
Classification: Uncertain significance for Myopathy with tubular aggregates; Combined immunodeficiency due to STIM1 deficiency; Stormorken syndrome. Last evaluated: 2024-07-02. Review status: criteria provided, single submitter. Criteria: Invitae Variant Classification Sherloc (09022015). Collection method: clinical testing. Allele origin: germline.
Comment: This sequence change replaces alanine, which is neutral and non-polar, with threonine, which is neutral and polar, at codon 327 of the STIM1 protein (p.Ala327Thr). This variant is not present in population databases (gnomAD no frequency). This variant has not been reported in the literature in individuals affected with STIM1-related conditions. Advanced modeling of protein sequence and biophysical properties (such as structural, functional, and spatial information, amino acid conservation, physicochemical variation, residue mobility, and thermodynamic stability) has been performed at Invitae for this missense variant, however the output from this modeling did not meet the statistical confidence thresholds required to predict the impact of this variant on STIM1 protein function. In summary, the available evidence is currently insufficient to determine the role of this variant in disease. Therefore, it has been classified as a Variant of Uncertain Significance.

NM_001382567.1(STIM1):c.979G>A (p.Ala327Thr)

Gene: STIM1 (stromal interaction molecule 1; plus strand). Cytogenetic location: 11p15.4.
Variant type: single nucleotide variant.
Coding change: c.979G>A on transcript NM_001382567.1 (MANE Select); coding-DNA position 979, G replaced by A.
Protein change: p.Ala327Thr; replaces alanine 327 with threonine.
Molecular consequence: missense variant. On other transcripts: non-coding transcript variant (2).
Genome position (GRCh38, 1-based): chr11:4,082,193, G>A. VCF-style: chr11-4082193-G-A. GRCh37 (hg19) VCF-style: chr11-4103423-G-A.
Other names: c.979G>A, p.Ala327Thr (NM_001277961.3, NM_001277962.2, NM_001382568.1 and 1 more transcripts); c.757G>A, p.Ala253Thr (NM_001382566.1, NM_001382573.1, NM_001382575.1 and 4 more transcripts); c.844G>A, p.Ala282Thr (NM_001382569.1); c.751G>A, p.Ala251Thr (NM_001382570.1); c.499G>A, p.Ala167Thr (NM_001382571.1); c.490G>A, p.Ala164Thr (NM_001382580.1, NM_001382581.1); short protein forms A164T, A167T, A251T, A253T, A282T, A327T.
Identifiers: ClinVar variation 3757066 (VCV003757066.2).